The following is an entry in ClinVar:

ClinVar aggregate classification (germline): Likely pathogenic (1 of 4 stars; one submission).

Conditions:
Metachromatic leukodystrophy (MLD). Also called: ARSA DEFICIENCY; CEREBROSIDE SULFATASE DEFICIENCY; SULFATIDE LIPIDOSIS; METACHROMATIC LEUKOENCEPHALOPATHY; Cerebral sclerosis diffuse metachromatic form; Arylsulfatase A Deficiency. Identifiers: Orphanet 512, MedGen C0023522, MONDO:0018868, OMIM 250100.

Submission:

Diagnostics Services (NGS), CSIR - Centre For Cellular And Molecular Biology
Classification: Likely pathogenic for Metachromatic leukodystrophy. Last evaluated: 2024-06-10. Review status: criteria provided, single submitter. Criteria: ACMG Guidelines, 2015. Collection method: clinical testing. Allele origin: germline. Affected: yes. Observed: 1 variant allele, 1 homozygote.
Comment: The c.607T>A variant is not present in publicly available population databases like 1000 Genomes, EVS, ExAC, gnomAD, Indian Exome Database or our in-house exome database. This variant has neither been published in literature with ARSA-related conditions nor reported to the clinical databases like ClinVar, Human Genome Mutation Database (HGMD) or OMIM, in any affected individuals. In-silico pathogenicity prediction programs like SIFT, MutationTaster2021, CADD, Franklin, varsome etc predicted this variant to be likely deleterious, however these predictions were not confirmed by published functional studies. This variant is located in a mutational hotspot region of the gene and a different amino acid changes in the same codon (Tyr203Cys, Tyr203His) has been previously observed in affected individuals, published in literature several times and reported to the clinical databases as ‘Pathogenic/Likely pathogenic’, by a multiple submitters.

NM_000487.6(ARSA):c.607T>A (p.Tyr203Asn)

Gene: ARSA (arylsulfatase A; minus strand). Cytogenetic location: 22q13.33.
Variant type: single nucleotide variant.
Coding change: c.607T>A on transcript NM_000487.6 (MANE Select); coding-DNA position 607, T replaced by A.
Protein change: p.Tyr203Asn; replaces tyrosine 203 with asparagine.
Molecular consequence: missense variant.
Genome position (GRCh38, 1-based): chr22:50,626,911, A>T on the plus strand (T>A on the coding strand, the complement: ARSA is on the minus strand). VCF-style: chr22-50626911-A-T. GRCh37 (hg19) VCF-style: chr22-51065339-A-T.
Other names: c.607T>A, p.Tyr203Asn (NM_001085425.3, NM_001085426.3, NM_001085427.3); c.349T>A, p.Tyr117Asn (NM_001085428.3, NM_001362782.2); short protein forms Y117N, Y203N.
Identifiers: ClinVar variation 3251974 (VCV003251974.1), dbSNP rs2082680103.
Genomic context (GRCh38, chr22:50,626,911, plus strand): 5'-GGAAGAAGGGGCGATCCTGGCGCTGGGCGTCGGCCATGAGGTCATGGGCGAAAGCCATGT[A>T]GCGGGCCTCTAGTCCGGGCAGCCAGGGGGGCTGCGCCTCCACGGACAGGTTGGCCAACAG-3'
Protein context (NP_000478.3, residues 193-213): PPWLPGLEAR[Tyr203Asn]MAFAHDLMAD